The following is an entry in ClinVar:

ClinVar aggregate classification (germline): Uncertain significance. Review status: criteria provided, multiple submitters, no conflicts (2 of 4 stars). 2 submissions from 2 submitters: Uncertain significance (2). Last evaluated 2025-04-21.

Conditions:
Fraser syndrome 2 (FRASRS2). Identifiers: MedGen C4540036, MONDO:0054738, OMIM 617666.

Allele frequency attached by ClinVar (database versions not stated): TOPMed 0.00005; ESP Exome Variant Server 0.00008; gnomAD 0.00008 and 0.00009; 1000 Genomes Project 0.00040; 1000 Genomes Project 30x 0.00047.
gnomAD v4.1: 17 of 1,610,722 alleles (0.0011%); highest among the groups gnomAD compares: African/African-American, 0.02%; no homozygotes.

Submissions (2):

Labcorp Genetics (formerly Invitae), Labcorp
Classification: Uncertain significance. Last evaluated: 2025-04-21. Review status: criteria provided, single submitter. Criteria: Invitae Variant Classification Sherloc (09022015). Collection method: clinical testing. Allele origin: germline.
Comment: This sequence change replaces histidine, which is basic and polar, with glutamine, which is neutral and polar, at codon 2319 of the FREM2 protein (p.His2319Gln). This variant is present in population databases (rs182710790, gnomAD 0.03%). This variant has not been reported in the literature in individuals affected with FREM2-related conditions. ClinVar contains an entry for this variant (Variation ID: 881147). An algorithm developed to predict the effect of missense changes on protein structure and function (PolyPhen-2) suggests that this variant is likely to be disruptive. In summary, the available evidence is currently insufficient to determine the role of this variant in disease. Therefore, it has been classified as a Variant of Uncertain Significance.

Illumina Laboratory Services, Illumina
Classification: Uncertain significance for Fraser syndrome 2. Last evaluated: 2018-01-13. Review status: criteria provided, single submitter. Criteria: ICSL Variant Classification Criteria 13 December 2019. Collection method: clinical testing. Allele origin: germline.

NM_207361.6(FREM2):c.6957C>A (p.His2319Gln)

Gene: FREM2 (FRAS1 related extracellular matrix 2; plus strand). Cytogenetic location: 13q13.3.
Variant type: single nucleotide variant.
Coding change: c.6957C>A on transcript NM_207361.6 (MANE Select); coding-DNA position 6957, C replaced by A.
Protein change: p.His2319Gln; replaces histidine 2319 with glutamine.
Molecular consequence: missense variant.
Genome position (GRCh38, 1-based): chr13:38,856,157, C>A. VCF-style: chr13-38856157-C-A. GRCh37 (hg19) VCF-style: chr13-39430294-C-A.
Other names: short protein forms H2319Q.
Identifiers: ClinVar variation 881147 (VCV000881147.6), dbSNP rs182710790, ClinGen allele CA6955727.